The following is an entry in ClinVar:

NM_005422.4(TECTA):c.33C>A (p.Val11=)

Genes: TBCEL-TECTA (TBCEL-TECTA readthrough; plus strand), TECTA (tectorin alpha; plus strand). Cytogenetic location: 11q23.3.
Variant type: single nucleotide variant.
Coding change: c.33C>A on transcript NM_005422.4 (MANE Select); coding-DNA position 33, C replaced by A.
Protein change: p.Val11=; no amino-acid change (valine 11 retained).
Molecular consequence: synonymous variant.
Genome position (GRCh38, 1-based): chr11:121,102,698, C>A. VCF-style: chr11-121102698-C-A. GRCh37 (hg19) VCF-style: chr11-120973407-C-A.
Other names: c.990C>A, p.Val330= (NM_001378761.1).
Identifiers: ClinVar variation 667166 (VCV000667166.59), dbSNP rs140393508, ClinGen allele CA6326389.

ClinVar aggregate classification (germline): Conflicting classifications of pathogenicity. Review status: criteria provided, conflicting classifications (1 of 4 stars). 10 submissions from 9 submitters: Uncertain significance (3); Likely benign (4). 3 of the submissions do not count toward it. Last evaluated 2024-12-10.

Conditions:
TECTA-related disorder. Also called: TECTA-related condition.
Autosomal recessive nonsyndromic hearing loss 21. Identifiers: Orphanet 90636, MedGen C1863655, MONDO:0011351, OMIM 603629.
Autosomal dominant nonsyndromic hearing loss 12. Also called: DEAFNESS, AUTOSOMAL DOMINANT 8. Identifiers: Orphanet 90635, MedGen C1832187, MONDO:0011102, OMIM 601543.

Allele frequency attached by ClinVar (database versions not stated): gnomAD 0.00014 and 0.00015; TOPMed 0.00015; ExAC 0.00022; ESP Exome Variant Server 0.00031.
gnomAD v4.1: 263 of 1,613,604 alleles (0.016%); highest among the groups gnomAD compares: Middle Eastern, 0.033%; 2 homozygotes.

Submissions (10):

GeneDx
Classification: Uncertain significance. Last evaluated: 2024-12-10. Review status: criteria provided, single submitter. Criteria: GeneDx Variant Classification Process June 2021. Collection method: clinical testing. Allele origin: germline. Affected: yes.
Comment: In silico analysis indicates that this variant does not alter splicing; Has not been previously published as pathogenic or benign to our knowledge

Blueprint Genetics
Classification: Likely benign. Last evaluated: 2024-10-29. Review status: criteria provided, single submitter. Criteria: ACMG Guidelines, 2015. Collection method: clinical testing. Allele origin: germline.

Labcorp Genetics (formerly Invitae), Labcorp
Classification: Likely benign. Last evaluated: 2024-10-21. Review status: criteria provided, single submitter. Criteria: Invitae Variant Classification Sherloc (09022015). Collection method: clinical testing. Allele origin: germline.

CeGaT Center for Human Genetics Tuebingen
Classification: Likely benign. Last evaluated: 2024-07-01. Review status: criteria provided, single submitter. Criteria: CeGaT Center For Human Genetics Tuebingen Variant Classification Criteria Version 2. Collection method: clinical testing. Allele origin: germline. Affected: yes. Observed: 2 variant alleles.
Comment: TECTA: BP4

Illumina Laboratory Services, Illumina
Classification: Uncertain significance for Autosomal recessive nonsyndromic hearing loss 21. Last evaluated: 2018-01-12. Review status: criteria provided, single submitter. Criteria: ICSL Variant Classification Criteria 13 December 2019. Collection method: clinical testing. Allele origin: germline.

Illumina Laboratory Services, Illumina
Classification: Uncertain significance for Autosomal dominant nonsyndromic hearing loss 12. Last evaluated: 2018-01-12. Review status: criteria provided, single submitter. Criteria: ICSL Variant Classification Criteria 13 December 2019. Collection method: clinical testing. Allele origin: germline.

Laboratory for Molecular Medicine, Mass General Brigham Personalized Medicine
Classification: Likely benign. Last evaluated: 2012-04-30. Review status: criteria provided, single submitter. Criteria: LMM Criteria. Collection method: clinical testing. Allele origin: germline. Observed: 1 variant allele.
Comment: Val11Val in Exon 01 of TECTA: This variant is not expected to have clinical sign ificance because it does not alter an amino acid residue, is not located within the splice consensus sequence, and has been identified in 3/7020 European Americ an chromosomes from a broad population by the NHLBI Exome Sequencing Project (dbSNP rs140393508).

PreventionGenetics, part of Exact Sciences
Classification: Likely benign for TECTA-related condition. Last evaluated: 2019-05-31. Review status: no assertion criteria provided. Collection method: clinical testing. Allele origin: germline. Not counted in ClinVar's aggregate classification.
Comment: This variant is classified as likely benign based on ACMG/AMP sequence variant interpretation guidelines (Richards et al. 2015 PMID: 25741868, with internal and published modifications).

Clinical Genetics DNA and cytogenetics Diagnostics Lab, Erasmus MC, Erasmus Medical Center
Classification: Likely benign. Review status: no assertion criteria provided. Collection method: clinical testing. Allele origin: germline. Affected: yes. Study: VKGL Data-share Consensus. Not counted in ClinVar's aggregate classification.

Joint Genome Diagnostic Labs from Nijmegen and Maastricht, Radboudumc and MUMC+
Classification: Likely benign. Review status: no assertion criteria provided. Collection method: clinical testing. Allele origin: germline. Affected: yes. Study: VKGL Data-share Consensus. Not counted in ClinVar's aggregate classification.